The following is an entry in ClinVar:

NM_000836.4(GRIN2D):c.1793C>T (p.Ala598Val)

Gene: GRIN2D (glutamate ionotropic receptor NMDA type subunit 2D; plus strand). Cytogenetic location: 19q13.33.
Variant type: single nucleotide variant.
Coding change: c.1793C>T on transcript NM_000836.4 (MANE Select); coding-DNA position 1793, C replaced by T.
Protein change: p.Ala598Val; replaces alanine 598 with valine.
Molecular consequence: missense variant.
Genome position (GRCh38, 1-based): chr19:48,419,291, C>T. VCF-style: chr19-48419291-C-T. GRCh37 (hg19) VCF-style: chr19-48922548-C-T.
Other names: short protein forms A598V.
Identifiers: ClinVar variation 1313442 (VCV001313442.2), dbSNP rs2147455362, ClinGen allele CA406697382.

ClinVar aggregate classification (germline): Uncertain significance (1 of 4 stars; one submission).

Submission:

GeneDx
Classification: Uncertain significance. Last evaluated: 2020-02-18. Review status: criteria provided, single submitter. Criteria: GeneDx Variant Classification Process June 2021. Collection method: clinical testing. Allele origin: germline. Affected: yes.
Comment: Not observed in large population cohorts (Lek et al., 2016); In silico analysis supports that this missense variant has a deleterious effect on protein structure/function; Has not been previously published as pathogenic or benign to our knowledge